The following is an entry in ClinVar:

NM_024301.5(FKRP):c.350C>G (p.Pro117Arg)

Gene: FKRP (fukutin related protein; plus strand). Cytogenetic location: 19q13.32.
Variant type: single nucleotide variant.
Coding change: c.350C>G on transcript NM_024301.5 (MANE Select); coding-DNA position 350, C replaced by G.
Protein change: p.Pro117Arg; replaces proline 117 with arginine.
Molecular consequence: missense variant.
Genome position (GRCh38, 1-based): chr19:46,755,800, C>G. VCF-style: chr19-46755800-C-G. GRCh37 (hg19) VCF-style: chr19-47259057-C-G.
Other names: c.350C>G, p.Pro117Arg (NM_001039885.3); short protein forms P117R.
Identifiers: ClinVar variation 2736910 (VCV002736910.6), dbSNP rs941905630, ClinGen allele CA309099259.
Genomic context (GRCh38, chr19:46,755,800, plus strand): 5'-CCAACGTGCGTCTGGCGCTGCTCCAGCCCGCCCTGGACCGGCCAGCCGCAGCCTCGCGCC[C>G]GGAGACCTACGTGGCCACCGAGTTTGTGGCCCTAGTACCTGATGGGGCGCGGGCTGAGGC-3'
Protein context (NP_077277.1, residues 107-127): ALDRPAAASR[Pro117Arg]ETYVATEFVA

ClinVar aggregate classification (germline): Likely pathogenic. Review status: criteria provided, multiple submitters, no conflicts (2 of 4 stars). 2 submissions from 2 submitters: Likely pathogenic (2). Last evaluated 2025-10-23.

Conditions:
Autosomal recessive limb-girdle muscular dystrophy. Identifiers: Orphanet 102015, MedGen C2931907, MONDO:0015152.
Walker-Warburg congenital muscular dystrophy. Also called: Muscular dystrophy-dystroglycanopathy, type A; Walker-Warburg syndrome. Identifiers: Orphanet 899, MedGen C0265221, MONDO:0000171.

Allele frequency attached by ClinVar (database versions not stated): TOPMed below 0.00001; gnomAD 0.00001.
gnomAD v4.1: 4 of 1,516,160 alleles (0.00026%); highest among the groups gnomAD compares: African/African-American, 0.0014%; no homozygotes.

Submissions (2):

Women's Health and Genetics/Laboratory Corporation of America, LabCorp
Classification: Likely pathogenic for Autosomal recessive limb-girdle muscular dystrophy. Last evaluated: 2025-10-23. Review status: criteria provided, single submitter. Criteria: LabCorp Variant Classification Summary - May 2015. Collection method: clinical testing. Allele origin: germline.
Comment: Variant summary: FKRP c.350C>G (p.Pro117Arg) results in a non-conservative amino acid change in the encoded protein sequence. Four of five in-silico tools predict a damaging effect of the variant on protein function. The variant was absent in 120542 control chromosomes. c.350C>G has been reported in the literature in at-least two individuals affected withCongenital muscular dystrophy type 1C (Fu_2016, Hong_2018). These data indicate that the variant may be associated with disease. To our knowledge, no experimental evidence demonstrating an impact on protein function has been reported. The following publications have been ascertained in the context of this evaluation (PMID: 27439679, 30210031). ClinVar contains an entry for this variant (Variation ID: 2736910). Based on the evidence outlined above, the variant was classified as likely pathogenic.

Labcorp Genetics (formerly Invitae), Labcorp
Classification: Likely pathogenic for Walker-Warburg congenital muscular dystrophy. Last evaluated: 2022-11-29. Review status: criteria provided, single submitter. Criteria: Invitae Variant Classification Sherloc (09022015). Collection method: clinical testing. Allele origin: germline.
Comment: In summary, the currently available evidence indicates that the variant is pathogenic, but additional data are needed to prove that conclusively. Therefore, this variant has been classified as Likely Pathogenic. Advanced modeling of protein sequence and biophysical properties (such as structural, functional, and spatial information, amino acid conservation, physicochemical variation, residue mobility, and thermodynamic stability) performed at Invitae indicates that this missense variant is expected to disrupt FKRP protein function. This missense change has been observed in individual(s) with muscular congenital dystrophy type 1C (PMID: 27439679, 30210031). This variant is not present in population databases (gnomAD no frequency). This sequence change replaces proline, which is neutral and non-polar, with arginine, which is basic and polar, at codon 117 of the FKRP protein (p.Pro117Arg).

Literature cited by the submitters: PubMed 27439679 (cited by Women's Health and Genetics/Laboratory Corporation of America, LabCorp and Labcorp Genetics (formerly Invitae), Labcorp); PubMed 30210031 (cited by Women's Health and Genetics/Laboratory Corporation of America, LabCorp and Labcorp Genetics (formerly Invitae), Labcorp).